The following is an entry in ClinVar:

NM_005045.4(RELN):c.6642G>A (p.Met2214Ile)

Gene: RELN (reelin; minus strand). Cytogenetic location: 7q22.1.
Variant type: single nucleotide variant.
Coding change: c.6642G>A on transcript NM_005045.4 (MANE Select); coding-DNA position 6642, G replaced by A.
Protein change: p.Met2214Ile; replaces methionine 2214 with isoleucine.
Molecular consequence: missense variant.
Genome position (GRCh38, 1-based): chr7:103,542,760, C>T on the plus strand (G>A on the coding strand, the complement: RELN is on the minus strand). VCF-style: chr7-103542760-C-T. GRCh37 (hg19) VCF-style: chr7-103183207-C-T.
Other names: c.6642G>A, p.Met2214Ile (NM_173054.3); short protein forms M2214I.
Identifiers: ClinVar variation 2505553 (VCV002505553.1), dbSNP rs2484793319, ClinGen allele CA368770282.

ClinVar aggregate classification (germline): Uncertain significance (1 of 4 stars; one submission).

Conditions:
Familial temporal lobe epilepsy 7. Identifiers: Orphanet 101046, MedGen C4225327, MONDO:0014639, OMIM 616436.

Allele frequency attached by ClinVar (database versions not stated): gnomAD exomes below 0.00001.
gnomAD v4.1: 1 of 1,614,038 alleles (0.000062%); highest among the groups gnomAD compares: Non-Finnish European, 0.000085%; no homozygotes.

Submission:

Dr. med. U. Finckh, Human Genetics, Eurofins MVZ
Classification: Uncertain significance for Familial temporal lobe epilepsy 7. Review status: criteria provided, single submitter. Criteria: ACMG Guidelines, 2015. Collection method: clinical testing. Allele origin: maternal.